The following is an entry in ClinVar:

NM_014946.4(SPAST):c.1186G>C (p.Ala396Pro)

Gene: SPAST (spastin; plus strand). Cytogenetic location: 2p22.3.
Variant type: single nucleotide variant.
Coding change: c.1186G>C on transcript NM_014946.4 (MANE Select); coding-DNA position 1186, G replaced by C.
Protein change: p.Ala396Pro; replaces alanine 396 with proline.
Molecular consequence: missense variant.
Genome position (GRCh38, 1-based): chr2:32,128,420, G>C. VCF-style: chr2-32128420-G-C. GRCh37 (hg19) VCF-style: chr2-32353489-G-C.
Other names: c.1183G>C, p.Ala395Pro (NM_001363823.2); c.1087G>C, p.Ala363Pro (NM_001363875.2); c.1090G>C, p.Ala364Pro (NM_001377959.1, NM_199436.2); short protein forms A395P, A363P, A364P, A396P.
Identifiers: ClinVar variation 1916219 (VCV001916219.5), dbSNP rs2465864788, ClinGen allele CA346501386.
Genomic context (GRCh38, chr2:32,128,420, plus strand): 5'-ATGTAATATATTGAACTAATTTAATATTTGCTCTTGTGATTTTTAAAGGCTAAAGCAGTA[G>C]CTGCAGAATCGAATGCAACCTTCTTTAATATAAGTGCTGCAAGTTTAACTTCAAAATACG-3'
Protein context (NP_055761.2, residues 386-406): NGKTMLAKAV[Ala396Pro]AESNATFFNI

ClinVar aggregate classification (germline): Uncertain significance (1 of 4 stars; one submission).

Conditions:
Hereditary spastic paraplegia 4. Also called: Spastic paraplegia 4, autosomal dominant; Spastic Paraplegia 4; Familial spastic paraplegia autosomal dominant 2. Identifiers: Orphanet 100985, MedGen C1866855, MONDO:0008438, OMIM 182601.

Submission:

Labcorp Genetics (formerly Invitae), Labcorp
Classification: Uncertain significance for Hereditary spastic paraplegia 4. Last evaluated: 2022-10-20. Review status: criteria provided, single submitter. Criteria: Invitae Variant Classification Sherloc (09022015). Collection method: clinical testing. Allele origin: germline.
Comment: This variant is not present in population databases (gnomAD no frequency). In summary, the available evidence is currently insufficient to determine the role of this variant in disease. Therefore, it has been classified as a Variant of Uncertain Significance. Advanced modeling of protein sequence and biophysical properties (such as structural, functional, and spatial information, amino acid conservation, physicochemical variation, residue mobility, and thermodynamic stability) performed at Invitae indicates that this missense variant is expected to disrupt SPAST protein function. This missense change has been observed in individual(s) with clinical features of hereditary spastic paraplegia (PMID: 30476002). This sequence change replaces alanine, which is neutral and non-polar, with proline, which is neutral and non-polar, at codon 396 of the SPAST protein (p.Ala396Pro).

Literature cited by the submitters: PubMed 30476002.